The following is an entry in ClinVar:

NM_000271.5(NPC1):c.1552C>T (p.Arg518Trp)

Gene: NPC1 (NPC intracellular cholesterol transporter 1; minus strand). Cytogenetic location: 18q11.2.
Variant type: single nucleotide variant.
Coding change: c.1552C>T on transcript NM_000271.5 (MANE Select); coding-DNA position 1552, C replaced by T.
Protein change: p.Arg518Trp; replaces arginine 518 with tryptophan.
Molecular consequence: missense variant.
Genome position (GRCh38, 1-based): chr18:23,554,759, G>A on the plus strand (C>T on the coding strand, the complement: NPC1 is on the minus strand). VCF-style: chr18-23554759-G-A. GRCh37 (hg19) VCF-style: chr18-21134723-G-A.
Other names: short protein forms R518W.
Identifiers: ClinVar variation 550874 (VCV000550874.16), dbSNP rs377515417, ClinGen allele CA8913447.

ClinVar aggregate classification (germline): Pathogenic/Likely pathogenic. Review status: criteria provided, multiple submitters, no conflicts (2 of 4 stars). 6 submissions from 6 submitters: Pathogenic (4); Likely pathogenic (1). 1 of the submissions does not count toward it. Last evaluated 2025-04-17.

Conditions:
Niemann-Pick disease, type C (NPC). Identifiers: Orphanet 646, MedGen C0220756, MONDO:0018982.
Niemann-Pick disease, type C1. Also called: NEUROVISCERAL STORAGE DISEASE WITH VERTICAL SUPRANUCLEAR OPHTHALMOPLEGIA; NIEMANN-PICK DISEASE WITH CHOLESTEROL ESTERIFICATION BLOCK; NIEMANN-PICK DISEASE WITHOUT SPHINGOMYELINASE DEFICIENCY; NIEMANN-PICK DISEASE, CHRONIC NEURONOPATHIC FORM; NIEMANN-PICK DISEASE, VARIANT TYPE C1. Identifiers: Orphanet 646, MedGen C3179455, MONDO:0009757, OMIM 257220.

Allele frequency attached by ClinVar (database versions not stated): TOPMed below 0.00001; gnomAD exomes 0.00003; ExAC 0.00007; ESP Exome Variant Server 0.00015.

Submissions (6):

Institute of Human Genetics, University of Leipzig Medical Center
Classification: Pathogenic for Niemann-Pick disease, type C1. Last evaluated: 2025-04-17. Review status: criteria provided, single submitter. Criteria: ACMG Guidelines, 2015. Collection method: clinical testing. Allele origin: maternal. Inheritance: Autosomal recessive inheritance. Affected: yes.
Comment: Criteria applied: PM3_STR,PM1,PM2,PM5,PP3; Identified as compund heterozygous with NM_000271.5:c.3107C>T

Natera, Inc.
Classification: Pathogenic for Niemann-Pick disease type C1. Last evaluated: 2024-12-04. Review status: criteria provided, single submitter. Criteria: Natera Variant Classification Schema (03/2026). Collection method: clinical testing. Allele origin: germline.
Comment: The c.1552C>T variant in NPC1 is a missense variant predicted to cause substitution of arginine to tryptophan at amino acid 518. This variant is rare in the general population with a frequency below the threshold expected for the associated phenotype(s). This variant has been observed in one or more individuals affected with the associated recessive disease, as either homozygous or compound heterozygous with a second variant (PMID: 22676771, 32488064). Given the available evidence, this variant is classified as Pathogenic.

Labcorp Genetics (formerly Invitae), Labcorp
Classification: Pathogenic for Niemann-Pick disease, type C1. Last evaluated: 2024-10-23. Review status: criteria provided, single submitter. Criteria: Invitae Variant Classification Sherloc (09022015). Collection method: clinical testing. Allele origin: germline.
Comment: This sequence change replaces arginine, which is basic and polar, with tryptophan, which is neutral and slightly polar, at codon 518 of the NPC1 protein (p.Arg518Trp). This variant is present in population databases (rs377515417, gnomAD 0.006%). This missense change has been observed in individual(s) with Niemann-Pick disease type C (PMID: 22676771, 26666848, 27366019, 28222799). ClinVar contains an entry for this variant (Variation ID: 550874). An algorithm developed to predict the effect of missense changes on protein structure and function (PolyPhen-2) suggests that this variant is likely to be disruptive. For these reasons, this variant has been classified as Pathogenic.

Women's Health and Genetics/Laboratory Corporation of America, LabCorp
Classification: Pathogenic for Niemann-Pick disease, type C. Last evaluated: 2022-03-18. Review status: criteria provided, single submitter. Criteria: LabCorp Variant Classification Summary - May 2015. Collection method: clinical testing. Allele origin: germline.
Comment: Variant summary: NPC1 c.1552C>T (p.Arg518Trp) results in a non-conservative amino acid change located in the luminal loop between TM 2 and 3 (Ribeiro_2001) of the encoded protein sequence. Five of five in-silico tools predict a damaging effect of the variant on protein function. 4/4 computational tools predict no significant impact on normal splicing. However, these predictions have yet to be confirmed by functional studies. The variant allele was found at a frequency of 3.2e-05 in 251150 control chromosomes (gnomAD and publication data). c.1552C>T has been reported in the literature in multiple individuals affected with Niemann-Pick Disease Type C (Ribeiro_2001, Imrie_2006, Lee_2016, Bowman_2017, Perez Maturo_2020). In addition, this variant was found in three homozygous patients (siblings) in one family (Imrie_2006). These data indicate that the variant is very likely to be associated with disease. To our knowledge, no experimental evidence demonstrating an impact on protein function has been reported. Missense variants in nearby residues (H512R, C156Y, A521S, H530Y) have been reported in the Human Gene Mutation Database in association with Niemann-Pick Disease Type C, supporting the functional importance of this region of the protein. Three ClinVar submitters (evaluation after 2014) cite the variant as pathogenic (n=1) and likely pathogenic (n=2). Based on the evidence outlined above, the variant was classified as pathogenic.

Fulgent Genetics
Classification: Likely pathogenic for Niemann-Pick disease, type C1. Last evaluated: 2018-10-31. Review status: criteria provided, single submitter. Criteria: ACMG Guidelines, 2015. Collection method: clinical testing. Allele origin: unknown.

Counsyl
Classification: Likely pathogenic for Niemann-Pick disease, type C1. Last evaluated: 2017-03-02. Review status: no assertion criteria provided. Collection method: clinical testing. Allele origin: unknown. Not counted in ClinVar's aggregate classification.

Literature cited by the submitters: PubMed 22676771 (cited by 3 submitters); PubMed 32488064 (cited by Natera, Inc. and Women's Health and Genetics/Laboratory Corporation of America, LabCorp); PubMed 26666848 (cited by Labcorp Genetics (formerly Invitae), Labcorp and Counsyl); PubMed 27366019 (cited by 3 submitters); PubMed 28222799 (cited by Labcorp Genetics (formerly Invitae), Labcorp); PubMed 17160617 (cited by Women's Health and Genetics/Laboratory Corporation of America, LabCorp); PubMed 11479732 (cited by Women's Health and Genetics/Laboratory Corporation of America, LabCorp and Counsyl); PubMed 28710748 (cited by Women's Health and Genetics/Laboratory Corporation of America, LabCorp); PubMed 24767253 (cited by Counsyl); PubMed 24386122 (cited by Counsyl); PubMed 27238017 (cited by Counsyl); PubMed 12955717 (cited by Counsyl).